The following is an entry in ClinVar:

ClinVar aggregate classification (germline): Benign (1 of 4 stars; one submission).

Allele frequency attached by ClinVar (database versions not stated): 1000 Genomes Project 30x 0.62836; TOPMed 0.63412; 1000 Genomes Project 0.63578; gnomAD 0.64484 and 0.65037.
gnomAD v4.1: 99,005 of 152,072 alleles (65%); highest among the groups gnomAD compares: South Asian, 76%; 33,259 homozygotes.

Submission:

GeneDx
Classification: Benign. Last evaluated: 2018-06-14. Review status: criteria provided, single submitter. Criteria: GeneDx Variant Classification (06012015). Collection method: clinical testing. Allele origin: germline. Affected: yes.
Comment: This variant is considered likely benign or benign based on one or more of the following criteria: it is a conservative change, it occurs at a poorly conserved position in the protein, it is predicted to be benign by multiple in silico algorithms, and/or has population frequency not consistent with disease.

NM_005566.4(LDHA):c.593-223T>C

Gene: LDHA (lactate dehydrogenase A; plus strand). Cytogenetic location: 11p15.1.
Variant type: single nucleotide variant.
Coding change: c.593-223T>C on transcript NM_005566.4 (MANE Select); 223 bases into the intron before coding-DNA position 593, T replaced by C.
Molecular consequence: intron variant.
Genome position (GRCh38, 1-based): chr11:18,403,471, T>C. VCF-style: chr11-18403471-T-C. GRCh37 (hg19) VCF-style: chr11-18425018-T-C.
Other names: c.593-223T>C (NM_001165416.2, NM_001165415.2); c.419-223T>C (NM_001135239.2); c.680-223T>C (NM_001165414.2).
Identifiers: ClinVar variation 683026 (VCV000683026.1), dbSNP rs1881716, ClinGen allele CA15686796.